The following is an entry in ClinVar:

NM_001351132.2(PEX5):c.37G>C (p.Gly13Arg)

Gene: PEX5 (peroxisomal biogenesis factor 5; plus strand). Cytogenetic location: 12p13.31.
Variant type: single nucleotide variant.
Coding change: c.37G>C on transcript NM_001351132.2 (MANE Select); coding-DNA position 37, G replaced by C.
Protein change: p.Gly13Arg; replaces glycine 13 with arginine.
Molecular consequence: missense variant.
Genome position (GRCh38, 1-based): chr12:7,190,414, G>C. VCF-style: chr12-7190414-G-C. GRCh37 (hg19) VCF-style: chr12-7343010-G-C.
Other names: c.37G>C, p.Gly13Arg (NM_000319.5, NM_001131023.2, NM_001131024.2 and 22 more transcripts); short protein forms G13R.
Identifiers: ClinVar variation 2112392 (VCV002112392.4), dbSNP rs950881602, ClinGen allele CA383707174.

ClinVar aggregate classification (germline): Uncertain significance (1 of 4 stars; one submission).

Conditions:
Peroxisome biogenesis disorder 2B (PBD2B). Identifiers: Orphanet 44, MedGen C3550234, MONDO:0008736, OMIM 202370.

Submission:

Labcorp Genetics (formerly Invitae), Labcorp
Classification: Uncertain significance for Peroxisome biogenesis disorder 2B. Last evaluated: 2024-11-05. Review status: criteria provided, single submitter. Criteria: Invitae Variant Classification Sherloc (09022015). Collection method: clinical testing. Allele origin: germline.
Comment: This sequence change replaces glycine, which is neutral and non-polar, with arginine, which is basic and polar, at codon 13 of the PEX5 protein (p.Gly13Arg). This variant is not present in population databases (gnomAD no frequency). This variant has not been reported in the literature in individuals affected with PEX5-related conditions. ClinVar contains an entry for this variant (Variation ID: 2112392). An algorithm developed to predict the effect of missense changes on protein structure and function (PolyPhen-2) suggests that this variant is likely to be disruptive. In summary, the available evidence is currently insufficient to determine the role of this variant in disease. Therefore, it has been classified as a Variant of Uncertain Significance.